The following is an entry in ClinVar:

ClinVar aggregate classification (germline): Uncertain significance. Review status: criteria provided, multiple submitters, no conflicts (2 of 4 stars). 2 submissions from 2 submitters: Uncertain significance (2). Last evaluated 2025-06-29.

Conditions:
Rubinstein-Taybi syndrome (RSTS). Identifiers: Orphanet 783, MedGen C0035934, MONDO:0019188.

Submissions (2):

Labcorp Genetics (formerly Invitae), Labcorp
Classification: Uncertain significance for Rubinstein-Taybi syndrome. Last evaluated: 2025-06-29. Review status: criteria provided, single submitter. Criteria: Invitae Variant Classification Sherloc (09022015). Collection method: clinical testing. Allele origin: germline.
Comment: This sequence change replaces methionine, which is neutral and non-polar, with leucine, which is neutral and non-polar, at codon 1095 of the CREBBP protein (p.Met1095Leu). This variant is not present in population databases (gnomAD no frequency). This variant has not been reported in the literature in individuals affected with CREBBP-related conditions. ClinVar contains an entry for this variant (Variation ID: 3359581). Invitae Evidence Modeling of protein sequence and biophysical properties (such as structural, functional, and spatial information, amino acid conservation, physicochemical variation, residue mobility, and thermodynamic stability) indicates that this missense variant is not expected to disrupt CREBBP protein function with a negative predictive value of 95%. In summary, the available evidence is currently insufficient to determine the role of this variant in disease. Therefore, it has been classified as a Variant of Uncertain Significance.

GeneDx
Classification: Uncertain significance. Last evaluated: 2023-06-06. Review status: criteria provided, single submitter. Criteria: GeneDx Variant Classification Process June 2021. Collection method: clinical testing. Allele origin: germline. Affected: yes.
Comment: Not observed at significant frequency in large population cohorts (gnomAD); In silico analysis supports that this missense variant has a deleterious effect on protein structure/function; Has not been previously published as pathogenic or benign to our knowledge

NM_004380.3(CREBBP):c.3283A>T (p.Met1095Leu)

Gene: CREBBP (CREB binding lysine acetyltransferase; minus strand). Cytogenetic location: 16p13.3.
Variant type: single nucleotide variant.
Coding change: c.3283A>T on transcript NM_004380.3 (MANE Select); coding-DNA position 3283, A replaced by T.
Protein change: p.Met1095Leu; replaces methionine 1095 with leucine.
Molecular consequence: missense variant.
Genome position (GRCh38, 1-based): chr16:3,758,940, T>A on the plus strand (A>T on the coding strand, the complement: CREBBP is on the minus strand). VCF-style: chr16-3758940-T-A. GRCh37 (hg19) VCF-style: chr16-3808941-T-A.
Other names: c.3169A>T, p.Met1057Leu (NM_001079846.1); short protein forms M1057L, M1095L.
Identifiers: ClinVar variation 3359581 (VCV003359581.2).